The following is an entry in ClinVar:

NM_032581.4(HYCC1):c.*3106G>A

Gene: HYCC1 (hyccin PI4KA lipid kinase complex subunit 1; minus strand). Cytogenetic location: 7p15.3.
Variant type: single nucleotide variant.
Coding change: c.*3106G>A on transcript NM_032581.4 (MANE Select); 3106 bases downstream of the stop codon, G replaced by A.
Molecular consequence: 3 prime UTR variant.
Genome position (GRCh38, 1-based): chr7:22,942,483, C>T on the plus strand (G>A on the coding strand, the complement: HYCC1 is on the minus strand). VCF-style: chr7-22942483-C-T. GRCh37 (hg19) VCF-style: chr7-22982102-C-T.
Other names: c.*3708G>A (NM_001363466.2); c.*3666G>A (NM_001363467.2).
Identifiers: ClinVar variation 909100 (VCV000909100.4), dbSNP rs191973703, ClinGen allele CA155207044.
Genomic context (GRCh38, chr7:22,942,483, plus strand): 5'-GGGAAGACATTTGCCCTGGGTAGTCTGGGACAGTCCCTTGAAAAGTCTATTTTTGTTTCT[C>T]TCCCCACTTGGATTCCAAAAAGCTAGTGCTGGCTCCAGTGCCACCAGAATACTCCAGGCC-3'

ClinVar aggregate classification (germline): Likely benign (1 of 4 stars; one submission).

Conditions:
Hypomyelination and Congenital Cataract (HLD5). Also called: hypomyelinating leukodystrophy 5. Identifiers: Orphanet 85163, MedGen C1864663, MONDO:0012514, OMIM 610532.

Allele frequency attached by ClinVar (database versions not stated): 1000 Genomes Project 0.00080; 1000 Genomes Project 30x 0.00109; gnomAD 0.00397 and 0.00409; TOPMed 0.00422.

Submission:

Illumina Laboratory Services, Illumina
Classification: Likely benign for Hypomyelination and Congenital Cataract. Last evaluated: 2018-01-13. Review status: criteria provided, single submitter. Criteria: ICSL Variant Classification Criteria 13 December 2019. Collection method: clinical testing. Allele origin: germline.
Comment: This variant was observed in the ICSL laboratory as part of a predisposition screen in an ostensibly healthy population. It had not been previously curated by ICSL or reported in the Human Gene Mutation Database (HGMD: prior to June 1st, 2018), and was therefore a candidate for classification through an automated scoring system. Utilizing variant allele frequency, disease prevalence and penetrance estimates, and inheritance mode, an automated score was calculated to assess if this variant is too frequent to cause the disease. Based on the score and internal cut-off values, a variant classified as likely benign is not then subjected to further curation. The score for this variant resulted in a classification of likely benign for this disease.